The following is an entry in ClinVar:

ClinVar aggregate classification (germline): Uncertain significance. Review status: criteria provided, multiple submitters, no conflicts (2 of 4 stars). 2 submissions from 2 submitters: Uncertain significance (2). Last evaluated 2025-10-18.

Conditions:
BSN related epilepsy.

Allele frequency attached by ClinVar (database versions not stated): 1000 Genomes Project 30x 0.00031; 1000 Genomes Project 0.00040.
gnomAD v4.1: 535 of 1,548,974 alleles (0.035%); highest among the groups gnomAD compares: Admixed American, 0.053%; no homozygotes.

Submissions (2):

Ambry Genetics
Classification: Uncertain significance. Last evaluated: 2025-10-18. Review status: criteria provided, single submitter. Criteria: Ambry Variant Classification Scheme 2023. Collection method: clinical testing. Allele origin: germline.

University of Washington Department of Laboratory Medicine, University of Washington
Classification: Uncertain significance for BSN-related Epilepsy. Last evaluated: 2023-01-10. Review status: criteria provided, single submitter. Criteria: ACMG Guidelines, 2015. Collection method: clinical testing. Allele origin: paternal. Affected: yes.
Comment: The p.Pro2732Arg variant in the BSN gene has not been previously reported in association with disease. This variant has been identified in 52/232932 chromosomes by the Genome Aggregation Database. Although this variant has been seen in the general population, its frequency may be low enough to be consistent with a recessive carrier frequency. In silico tools predict that p.Pro2732Arg does not impact protein function; however, these predictions have not been tested directly. Using ACMG guidelines, this variant was classified as a variant of uncertain significance (ACMG evidence codes used: PM2_supporting, BP4).

NM_003458.4(BSN):c.8195C>G (p.Pro2732Arg)

Gene: BSN (bassoon presynaptic cytomatrix protein; plus strand). Cytogenetic location: 3p21.31.
Variant type: single nucleotide variant.
Coding change: c.8195C>G on transcript NM_003458.4 (MANE Select); coding-DNA position 8195, C replaced by G.
Protein change: p.Pro2732Arg; replaces proline 2732 with arginine.
Molecular consequence: missense variant.
Genome position (GRCh38, 1-based): chr3:49,657,751, C>G. VCF-style: chr3-49657751-C-G. GRCh37 (hg19) VCF-style: chr3-49695184-C-G.
Other names: short protein forms P2732R.
Identifiers: ClinVar variation 3135294 (VCV003135294.3), dbSNP rs201556520, ClinGen allele CA2400829.